The following is an entry in ClinVar:

NM_004104.5(FASN):c.6709G>A (p.Val2237Met)

Gene: FASN (fatty acid synthase; minus strand). Cytogenetic location: 17q25.3.
Variant type: single nucleotide variant.
Coding change: c.6709G>A on transcript NM_004104.5 (MANE Select); coding-DNA position 6709, G replaced by A.
Protein change: p.Val2237Met; replaces valine 2237 with methionine.
Molecular consequence: missense variant.
Genome position (GRCh38, 1-based): chr17:82,080,809, C>T on the plus strand (G>A on the coding strand, the complement: FASN is on the minus strand). VCF-style: chr17-82080809-C-T. GRCh37 (hg19) VCF-style: chr17-80038685-C-T.
Other names: c.6709G>A (NM_004104.4); short protein forms V2237M.
Identifiers: ClinVar variation 1053304 (VCV001053304.10), dbSNP rs779448861, ClinGen allele CA8851214.

ClinVar aggregate classification (germline): Uncertain significance. Review status: criteria provided, multiple submitters, no conflicts (2 of 4 stars). 2 submissions from 2 submitters: Uncertain significance (2). Last evaluated 2024-03-22.

Conditions:
Epileptic encephalopathy. Identifiers: MedGen C0543888, HP:0200134.

Allele frequency attached by ClinVar (database versions not stated): gnomAD 0.00003 and 0.00004; TOPMed 0.00003; ExAC 0.00006.
gnomAD v4.1: 33 of 1,608,598 alleles (0.0021%); highest among the groups gnomAD compares: South Asian, 0.016%; no homozygotes.

Submissions (2):

Labcorp Genetics (formerly Invitae), Labcorp
Classification: Uncertain significance for Epileptic encephalopathy. Last evaluated: 2024-03-22. Review status: criteria provided, single submitter. Criteria: Invitae Variant Classification Sherloc (09022015). Collection method: clinical testing. Allele origin: germline.
Comment: This sequence change replaces valine, which is neutral and non-polar, with methionine, which is neutral and non-polar, at codon 2237 of the FASN protein (p.Val2237Met). This variant is present in population databases (rs779448861, gnomAD 0.01%). This variant has not been reported in the literature in individuals affected with FASN-related conditions. ClinVar contains an entry for this variant (Variation ID: 1053304). An algorithm developed to predict the effect of missense changes on protein structure and function (PolyPhen-2) suggests that this variant is likely to be tolerated. In summary, the available evidence is currently insufficient to determine the role of this variant in disease. Therefore, it has been classified as a Variant of Uncertain Significance.

Ambry Genetics
Classification: Uncertain significance. Last evaluated: 2022-09-07. Review status: criteria provided, single submitter. Criteria: Ambry Variant Classification Scheme 2023. Collection method: clinical testing. Allele origin: germline.